The following is an entry in ClinVar:

NM_004281.4(BAG3):c.343C>T (p.Pro115Ser)

Gene: BAG3 (BAG cochaperone 3; plus strand). Cytogenetic location: 10q26.11.
Variant type: single nucleotide variant.
Coding change: c.343C>T on transcript NM_004281.4 (MANE Select); coding-DNA position 343, C replaced by T.
Protein change: p.Pro115Ser; replaces proline 115 with serine.
Molecular consequence: missense variant.
Genome position (GRCh38, 1-based): chr10:119,670,013, C>T. VCF-style: chr10-119670013-C-T. GRCh37 (hg19) VCF-style: chr10-121429525-C-T.
Other names: short protein forms P115S.
Identifiers: ClinVar variation 861032 (VCV000861032.18), dbSNP rs774241343, ClinGen allele CA5716303.
Genomic context (GRCh38, chr10:119,670,013, plus strand): 5'-CCCATTCCTGTGCTCCATGAAGGCGCTGAGAACCGGCAGGTGCACCCTTTCCATGTCTAT[C>T]CCCAGCCTGGGATGCAGCGATTCCGAACTGAGGCGGCAGCAGCGGCTCCTCAGAGGTCCC-3'
Protein context (NP_004272.2, residues 105-125): NRQVHPFHVY[Pro115Ser]QPGMQRFRTE

ClinVar aggregate classification (germline): Uncertain significance. Review status: criteria provided, multiple submitters, no conflicts (2 of 4 stars). 6 submissions from 5 submitters: Uncertain significance (6). Last evaluated 2025-09-24.

Conditions:
Myofibrillar myopathy 6. Identifiers: Orphanet 199340, MedGen C2751831, MONDO:0013061, OMIM 612954.
Dilated cardiomyopathy 1HH (CMD1HH). Identifiers: Orphanet 154, MedGen C3151293, MONDO:0013479, OMIM 613881.
Cardiovascular phenotype. Identifiers: MedGen CN230736.

Allele frequency attached by ClinVar (database versions not stated): ExAC 0.00001; gnomAD 0.00001; gnomAD exomes 0.00001 and 0.00002; TOPMed 0.00004.
gnomAD v4.1: 17 of 1,614,126 alleles (0.0011%); highest among the groups gnomAD compares: Middle Eastern, 0.049%; no homozygotes.

Submissions (6):

Labcorp Genetics (formerly Invitae), Labcorp
Classification: Uncertain significance for Dilated cardiomyopathy 1HH; Myofibrillar myopathy 6. Last evaluated: 2025-09-24. Review status: criteria provided, single submitter. Criteria: Invitae Variant Classification Sherloc (09022015). Collection method: clinical testing. Allele origin: germline.
Comment: This sequence change replaces proline, which is neutral and non-polar, with serine, which is neutral and polar, at codon 115 of the BAG3 protein (p.Pro115Ser). This variant is present in population databases (rs774241343, gnomAD 0.002%). This missense change has been observed in individual(s) with BAG3-related conditions (PMID: 21459883, 26899768, 30373780). ClinVar contains an entry for this variant (Variation ID: 861032). Invitae Evidence Modeling of protein sequence and biophysical properties (such as structural, functional, and spatial information, amino acid conservation, physicochemical variation, residue mobility, and thermodynamic stability) indicates that this missense variant is not expected to disrupt BAG3 protein function with a negative predictive value of 80%. In summary, the available evidence is currently insufficient to determine the role of this variant in disease. Therefore, it has been classified as a Variant of Uncertain Significance.

Ambry Genetics
Classification: Uncertain significance for Cardiovascular phenotype. Last evaluated: 2025-09-15. Review status: criteria provided, single submitter. Criteria: Ambry Variant Classification Scheme 2023. Collection method: clinical testing. Allele origin: germline.
Comment: The p.P115S variant (also known as c.343C>T), located in coding exon 2 of the BAG3 gene, results from a C to T substitution at nucleotide position 343. The proline at codon 115 is replaced by serine, an amino acid with similar properties. This variant was reported in individual(s) with features consistent with dilated cardiomyopathy (Villard E et al. Eur Heart J, 2011 May;32:1065-76; Cuenca S et al. J Heart Lung Transplant, 2016 May;35:625-35; Belkaya S et al. J Am Coll Cardiol, 2017 Apr;69:1653-1665). This amino acid position is poorly conserved in available vertebrate species. In addition, this alteration is predicted to be tolerated by in silico analysis. Based on the available evidence, the clinical significance of this variant remains unclear.

Molecular Diagnostic Laboratory for Inherited Cardiovascular Disease, Montreal Heart Institute
Classification: Uncertain significance for Cardiovascular phenotype. Last evaluated: 2025-04-09. Review status: criteria provided, single submitter. Criteria: ACMG Guidelines, 2015. Collection method: clinical testing. Allele origin: germline. Affected: yes.
Comment: PM2; PS4_supp; BP4

Fulgent Genetics
Classification: Uncertain significance for Myofibrillar myopathy 6; Dilated cardiomyopathy 1HH. Last evaluated: 2021-07-28. Review status: criteria provided, single submitter. Criteria: ACMG Guidelines, 2015. Collection method: clinical testing. Allele origin: unknown.

Illumina Laboratory Services, Illumina
Classification: Uncertain significance for Myofibrillar myopathy 6. Last evaluated: 2017-04-27. Review status: criteria provided, single submitter. Criteria: ICSL Variant Classification Criteria 13 December 2019. Collection method: clinical testing. Allele origin: germline.

Illumina Laboratory Services, Illumina
Classification: Uncertain significance for Dilated cardiomyopathy 1HH. Last evaluated: 2017-04-27. Review status: criteria provided, single submitter. Criteria: ICSL Variant Classification Criteria 13 December 2019. Collection method: clinical testing. Allele origin: germline.
Comment: This variant was observed as part of a predisposition screen in an ostensibly healthy population. A literature search was performed for the gene, cDNA change, and amino acid change (where applicable). Publications were found based on this search. However, the evidence from the literature, in combination with allele frequency data from public databases where available, was not sufficient to rule this variant in or out of causing disease. Therefore, this variant is classified as a variant of unknown significance.

Literature cited by the submitters: PubMed 21459883 (cited by 3 submitters); PubMed 26899768 (cited by Labcorp Genetics (formerly Invitae), Labcorp and Ambry Genetics); PubMed 30373780 (cited by Labcorp Genetics (formerly Invitae), Labcorp); PubMed 28359509 (cited by Ambry Genetics).